The following is an entry in ClinVar:

ClinVar aggregate classification (germline): Uncertain significance (1 of 4 stars; one submission).

Conditions:
Hypertrophic cardiomyopathy. Also called: HYPERTROPHIC MYOCARDIOPATHY. Identifiers: Orphanet 217569, MedGen C0007194, MeSH D002312, MONDO:0005045, HP:0001639.

Submission:

Labcorp Genetics (formerly Invitae), Labcorp
Classification: Uncertain significance for Hypertrophic cardiomyopathy. Last evaluated: 2024-03-27. Review status: criteria provided, single submitter. Criteria: Invitae Variant Classification Sherloc (09022015). Collection method: clinical testing. Allele origin: germline.
Comment: This sequence change replaces valine, which is neutral and non-polar, with leucine, which is neutral and non-polar, at codon 1368 of the MYH7 protein (p.Val1368Leu). This variant is not present in population databases (gnomAD no frequency). This missense change has been observed in individual(s) with clinical features of dilated cardiomyopathy (Invitae). Advanced modeling of protein sequence and biophysical properties (such as structural, functional, and spatial information, amino acid conservation, physicochemical variation, residue mobility, and thermodynamic stability) performed at Invitae indicates that this missense variant is expected to disrupt MYH7 protein function with a positive predictive value of 95%. In summary, the available evidence is currently insufficient to determine the role of this variant in disease. Therefore, it has been classified as a Variant of Uncertain Significance.

NM_000257.4(MYH7):c.4102G>C (p.Val1368Leu)

Gene: MYH7 (myosin heavy chain 7; minus strand). Cytogenetic location: 14q11.2.
Variant type: single nucleotide variant.
Coding change: c.4102G>C on transcript NM_000257.4 (MANE Select); coding-DNA position 4102, G replaced by C.
Protein change: p.Val1368Leu; replaces valine 1368 with leucine.
Molecular consequence: missense variant.
Genome position (GRCh38, 1-based): chr14:23,418,277, C>G on the plus strand (G>C on the coding strand, the complement: MYH7 is on the minus strand). VCF-style: chr14-23418277-C-G. GRCh37 (hg19) VCF-style: chr14-23887486-C-G.
Other names: c.4102G>C, p.Val1368Leu (NM_001407004.1); short protein forms V1368L.
Identifiers: ClinVar variation 3689235 (VCV003689235.2).
Genomic context (GRCh38, chr14:23,418,277, plus strand): 5'-CCTCGAGCTCCTCAGTCCGCTGAATGGCGTCCGTCTCATACTTGGTCCTCCACTGGGCCA[C>G]CTCCGAGTTGGCCTTGGAAAGGACGCGCTGCAGCTCGGCCTTGGCCTCCGTCTCCTCCTC-3'
Protein context (NP_000248.2, residues 1358-1378): QRVLSKANSE[Val1368Leu]AQWRTKYETD